The following is an entry in ClinVar:

ClinVar aggregate classification (germline): Pathogenic. Review status: criteria provided, multiple submitters, no conflicts (2 of 4 stars). 3 submissions from 3 submitters: Pathogenic (3). Last evaluated 2019-08-07.

Conditions:
Pitt-Hopkins syndrome (PTHS). Also called: MENTAL RETARDATION, SYNDROMAL, WITH INTERMITTENT HYPERVENTILATION; ENCEPHALOPATHY, SEVERE EPILEPTIC, WITH AUTONOMIC DYSFUNCTION. Identifiers: Orphanet 2896, MedGen C1970431, MONDO:0012589, OMIM 610954.

Submissions (3):

GeneDx
Classification: Pathogenic. Last evaluated: 2019-08-07. Review status: criteria provided, single submitter. Criteria: GeneDx Variant Classification Process June 2021. Collection method: clinical testing. Allele origin: germline. Affected: yes.
Comment: Canonical splice site variant in a gene for which loss-of-function is a known mechanism of disease; Not observed in large population cohorts (Lek et al., 2016); Has not been previously published as pathogenic or benign to our knowledge

MVZ Martinsried, Medicover Genetics
Classification: Pathogenic for Pitt-Hopkins syndrome. Last evaluated: 2018-12-13. Review status: criteria provided, single submitter. Criteria: ACMG Guidelines, 2015. Collection method: research. Allele origin: de novo. Affected: yes.

Eurofins Ntd Llc (ga)
Classification: Pathogenic. Last evaluated: 2014-01-02. Review status: criteria provided, single submitter. Criteria: EGL Classification Definitions 2015. Collection method: clinical testing. Allele origin: germline. Observed: 1 variant allele, 1 heterozygote.

NM_001083962.2(TCF4):c.655+1G>T

Gene: TCF4 (transcription factor 4; minus strand). Cytogenetic location: 18q21.2.
Variant type: single nucleotide variant.
Coding change: c.655+1G>T on transcript NM_001083962.2 (MANE Select); the canonical splice donor site of the intron after coding-DNA position 655, G replaced by T.
Molecular consequence: splice donor variant.
Genome position (GRCh38, 1-based): chr18:55,279,550, C>A on the plus strand (G>T on the coding strand, the complement: TCF4 is on the minus strand). VCF-style: chr18-55279550-C-A. GRCh37 (hg19) VCF-style: chr18-52946781-C-A.
Other names: c.655+1G>T (NM_001369572.1, NM_001369568.1, NM_001369574.1 and 4 more transcripts); c.580+1G>T (NM_001369585.1, NM_001369578.1, NM_001369581.1 and 3 more transcripts); c.583+1G>T (NM_001369579.1, NM_001369583.1, NM_001369575.1 and 9 more transcripts); c.652+1G>T (NM_001369573.1, NM_001369570.1, NM_001369569.1); c.529+1G>T (NM_001243231.2, NM_001348211.2); c.265+1G>T (NM_001348212.2, NM_001348213.2, NM_001243233.2 and 1 more transcripts); c.175+1G>T (NM_001348214.2, NM_001243235.2, NM_001243234.2 and 2 more transcripts); c.961+1G>T (NM_001243226.3); and 4 more.
Identifiers: ClinVar variation 167729 (VCV000167729.8), dbSNP rs587784465, ClinGen allele CA273383.